The following is an entry in ClinVar:

NM_000283.4(PDE6B):c.2099C>T (p.Ser700Phe)

Gene: PDE6B (phosphodiesterase 6B; plus strand). Cytogenetic location: 4p16.3.
Variant type: single nucleotide variant.
Coding change: c.2099C>T on transcript NM_000283.4 (MANE Select); coding-DNA position 2099, C replaced by T.
Protein change: p.Ser700Phe; replaces serine 700 with phenylalanine.
Molecular consequence: missense variant.
Genome position (GRCh38, 1-based): chr4:664,191, C>T. VCF-style: chr4-664191-C-T. GRCh37 (hg19) VCF-style: chr4-657980-C-T.
Other names: c.2099C>T, p.Ser700Phe (NM_001145291.2); c.1262C>T, p.Ser421Phe (NM_001145292.2, NM_001350154.3, NM_001379246.1 and 1 more transcripts); c.944C>T, p.Ser315Phe (NM_001350155.3); short protein forms S315F, S421F, S700F.
Identifiers: ClinVar variation 941139 (VCV000941139.11), dbSNP rs752794968, ClinGen allele CA2794845.

ClinVar aggregate classification (germline): Uncertain significance. Review status: criteria provided, multiple submitters, no conflicts (2 of 4 stars). 3 submissions from 3 submitters: Uncertain significance (3). Last evaluated 2026-07-06.

Conditions:
PDE6B-related disorder. Also called: PDE6B-related disorders; PDE6B-related disease; PDE6B-related condition.

Allele frequency attached by ClinVar (database versions not stated): ExAC 0.00005; gnomAD exomes 0.00010; gnomAD 0.00012; TOPMed 0.00013.
gnomAD v4.1: 45 of 1,608,212 alleles (0.0028%); highest among the groups gnomAD compares: Admixed American, 0.075%; no homozygotes.

Submissions (3):

PreventionGenetics, part of Exact Sciences
Classification: Uncertain significance for PDE6B-related condition. Last evaluated: 2026-07-06. Review status: criteria provided, single submitter. Criteria: ACMG Guidelines, 2015. Collection method: clinical testing. Allele origin: germline.
Comment: The PDE6B c.2099C>T variant is predicted to result in the amino acid substitution p.Ser700Phe. To our knowledge, this variant has not been reported in the literature. This variant is reported in 0.069% of alleles in individuals of Latino descent in gnomAD, which may be too frequent to be a primary cause of disease. Although we suspect that this variant may be benign, at this time, the clinical significance of this variant is uncertain due to the absence of conclusive functional and genetic evidence.

Labcorp Genetics (formerly Invitae), Labcorp
Classification: Uncertain significance. Last evaluated: 2025-12-08. Review status: criteria provided, single submitter. Criteria: Invitae Variant Classification Sherloc (09022015). Collection method: clinical testing. Allele origin: germline.
Comment: This sequence change replaces serine, which is neutral and polar, with phenylalanine, which is neutral and non-polar, at codon 700 of the PDE6B protein (p.Ser700Phe). This variant is present in population databases (rs752794968, gnomAD 0.07%). This variant has not been reported in the literature in individuals affected with PDE6B-related conditions. ClinVar contains an entry for this variant (Variation ID: 941139). Invitae Evidence Modeling of protein sequence and biophysical properties (such as structural, functional, and spatial information, amino acid conservation, physicochemical variation, residue mobility, and thermodynamic stability) has been performed for this missense variant. However, the output from this modeling did not meet the statistical confidence thresholds required to predict the impact of this variant on PDE6B protein function. In summary, the available evidence is currently insufficient to determine the role of this variant in disease. Therefore, it has been classified as a Variant of Uncertain Significance.

Blueprint Genetics
Classification: Uncertain significance. Last evaluated: 2022-08-05. Review status: criteria provided, single submitter. Criteria: ACMG Guidelines, 2015. Collection method: clinical testing. Allele origin: germline.